The following is an entry in ClinVar:

NM_015330.6(SPECC1L):c.1967A>G (p.Glu656Gly)

Genes: SPECC1L (sperm antigen with calponin homology and coiled-coil domains 1 like; plus strand), SPECC1L-ADORA2A (SPECC1L-ADORA2A readthrough (NMD candidate); plus strand). Cytogenetic location: 22q11.23.
Variant type: single nucleotide variant.
Coding change: c.1967A>G on transcript NM_015330.6 (MANE Select); coding-DNA position 1967, A replaced by G.
Protein change: p.Glu656Gly; replaces glutamic acid 656 with glycine.
Molecular consequence: missense variant. On other transcripts: non-coding transcript variant (1).
Genome position (GRCh38, 1-based): chr22:24,324,248, A>G. VCF-style: chr22-24324248-A-G. GRCh37 (hg19) VCF-style: chr22-24720216-A-G.
Other names: c.1967A>G, p.Glu656Gly (NM_001145468.4, NM_001254732.3); short protein forms E656G.
Identifiers: ClinVar variation 2214387 (VCV002214387.5), dbSNP rs139099983, ClinGen allele CA10152208.

ClinVar aggregate classification (germline): Conflicting classifications of pathogenicity. Review status: criteria provided, conflicting classifications (1 of 4 stars). 3 submissions from 3 submitters: Uncertain significance (2); Likely benign (1). Last evaluated 2024-03-18.

Conditions:
Inborn genetic diseases. Identifiers: MedGen C0950123, MeSH D030342.

Allele frequency attached by ClinVar (database versions not stated): TOPMed 0.00003; ExAC 0.00004; gnomAD 0.00005; ESP Exome Variant Server 0.00008.
gnomAD v4.1: 94 of 1,613,944 alleles (0.0058%); highest among the groups gnomAD compares: Middle Eastern, 0.016%; no homozygotes.

Submissions (3):

Labcorp Genetics (formerly Invitae), Labcorp
Classification: Uncertain significance. Last evaluated: 2024-03-18. Review status: criteria provided, single submitter. Criteria: Invitae Variant Classification Sherloc (09022015). Collection method: clinical testing. Allele origin: germline.
Comment: This sequence change replaces glutamic acid, which is acidic and polar, with glycine, which is neutral and non-polar, at codon 656 of the SPECC1L protein (p.Glu656Gly). This variant is present in population databases (rs139099983, gnomAD 0.01%). This variant has not been reported in the literature in individuals affected with SPECC1L-related conditions. ClinVar contains an entry for this variant (Variation ID: 2214387). Algorithms developed to predict the effect of missense changes on protein structure and function output the following: SIFT: "Not Available"; PolyPhen-2: "Benign"; Align-GVGD: "Not Available". The glycine amino acid residue is found in multiple mammalian species, which suggests that this missense change does not adversely affect protein function. In summary, the available evidence is currently insufficient to determine the role of this variant in disease. Therefore, it has been classified as a Variant of Uncertain Significance.

GeneDx
Classification: Uncertain significance. Last evaluated: 2023-08-09. Review status: criteria provided, single submitter. Criteria: GeneDx Variant Classification Process June 2021. Collection method: clinical testing. Allele origin: germline. Affected: yes.
Comment: Has not been previously published as pathogenic or benign to our knowledge; In silico analysis supports that this missense variant does not alter protein structure/function

Ambry Genetics
Classification: Likely benign for Inborn genetic diseases. Last evaluated: 2022-10-04. Review status: criteria provided, single submitter. Criteria: Ambry Variant Classification Scheme 2023. Collection method: clinical testing. Allele origin: germline.